The following is an entry in ClinVar:

ClinVar aggregate classification (germline): Uncertain significance (1 of 4 stars; one submission).

Conditions:
Developmental and epileptic encephalopathy, 2 (DEE2). Also called: INFANTILE SPASM SYNDROME, X-LINKED 2; CDKL5 deficiency disorder. Identifiers: Orphanet 1934, Orphanet 3451, Orphanet 505652, MedGen C4750718, MONDO:0010396, OMIM 300672.

Submission:

3billion
Classification: Uncertain significance for Developmental and epileptic encephalopathy, 2. Last evaluated: 2026-01-12. Review status: criteria provided, single submitter. Criteria: ACMG Guidelines, 2015. Collection method: clinical testing. Allele origin: germline. Affected: yes.
Comment: The variant is not observed in the gnomAD v4.1.0 dataset. Predicted Consequence/Location: Inframe insertion located in a nonrepeat region: predicted to change the length of the protein and disrupt normal protein function. Therefore, this variant is classified as VUS according to the recommendation of ACMG/AMP guideline.

NM_001323289.2(CDKL5):c.584_586dup (p.Trp195_Ser196insTrp)

Gene: CDKL5 (cyclin dependent kinase like 5; plus strand). Cytogenetic location: Xp22.13.
Variant type: Duplication.
Coding change: c.584_586dup on transcript NM_001323289.2 (MANE Select); coding-DNA positions 584 to 586, 3 bases duplicated (GGT; older notation c.584_586dupGGT).
Protein change: p.Trp195_Ser196insTrp.
Molecular consequence: inframe insertion.
Genome position (GRCh38, 1-based): chrX:18,587,983-18,587,985, GGT duplicated; duplicating any 3 consecutive bases within chrX:18,587,981-18,587,985 gives the same sequence; the c. name uses the placement nearest the transcript's 3' end. VCF-style (leftmost placement, unchanged base first): chrX-18587980-T-TGTG. GRCh37 (hg19) VCF-style: chrX-18606100-T-TGTG.
Other names: c.584_586dup, p.Trp195_Ser196insTrp (NM_001037343.2, NM_003159.3).
Identifiers: ClinVar variation 4855088 (VCV004855088.1).
Genomic context (GRCh38, chrX:18,587,980, plus strand): 5'-AGTTGCCAAAATAATCTCTTCCTTTATTTTTCAGCGCTCCCTATGGAAAGTCCGTGGACA[T>TGTG]GTGGTCGGTGGGCTGTATTCTTGGGGAGCTTAGCGATGGACAGCCTTTATTTCCTGGAGA-3'